The following is an entry in ClinVar:

ClinVar aggregate classification (germline): Uncertain significance (1 of 4 stars; one submission).

Submission:

CeGaT Center for Human Genetics Tuebingen
Classification: Uncertain significance. Last evaluated: 2025-07-01. Review status: criteria provided, single submitter. Criteria: CeGaT Center For Human Genetics Tuebingen Variant Classification Criteria Version 2. Collection method: clinical testing. Allele origin: germline. Affected: yes. Observed: 1 variant allele.
Comment: CREBBP: PP2, PP3

NM_004380.3(CREBBP):c.1220C>G (p.Ala407Gly)

Gene: CREBBP (CREB binding lysine acetyltransferase; minus strand). Cytogenetic location: 16p13.3.
Variant type: single nucleotide variant.
Coding change: c.1220C>G on transcript NM_004380.3 (MANE Select); coding-DNA position 1220, C replaced by G.
Protein change: p.Ala407Gly; replaces alanine 407 with glycine.
Molecular consequence: missense variant. On other transcripts: intron variant (1).
Genome position (GRCh38, 1-based): chr16:3,792,091, G>C on the plus strand (C>G on the coding strand, the complement: CREBBP is on the minus strand). VCF-style: chr16-3792091-G-C. GRCh37 (hg19) VCF-style: chr16-3842092-G-C.
Other names: c.1216+1295C>G (NM_001079846.1); short protein forms A407G.
Identifiers: ClinVar variation 4085070 (VCV004085070.8).